The following is an entry in ClinVar:

ClinVar aggregate classification (germline): Conflicting classifications of pathogenicity. Review status: criteria provided, conflicting classifications (1 of 4 stars). 5 submissions from 5 submitters: Uncertain significance (4); Likely benign (1). Last evaluated 2025-05-15.

Conditions:
Dilated cardiomyopathy 1AA (CMD1AA). Also called: CARDIOMYOPATHY, DILATED, 1AA, WITH OR WITHOUT LEFT VENTRICULAR NONCOMPACTION; CARDIOMYOPATHY, FAMILIAL HYPERTROPHIC, 23, WITH OR WITHOUT LEFT VENTRICULAR NONCOMPACTION; Cardiomyopathy, dilated, 1AA, with or without LVNC. Identifiers: Orphanet 154, MedGen C2677338, MONDO:0012808, OMIM 612158.
Myopathy, congenital, with structured cores and z-line abnormalities. Also called: MULTIPLE STRUCTURED CORE DISEASE; CONGENITAL MYOPATHY 8. Identifiers: MedGen C5231445, MONDO:0032852, OMIM 618654.
Myopathy, distal, 6, adult-onset, autosomal dominant. Identifiers: MedGen C5203349, MONDO:0032853, OMIM 618655.
Cardiovascular phenotype. Identifiers: MedGen CN230736.
Primary familial hypertrophic cardiomyopathy (HCM). Identifiers: Orphanet 99739, MedGen C0949658, MeSH D024741, MONDO:0024573. Inheritance: Various modes of inheritance.
Cardiomyopathy (CMYO). Also called: Cardiomyopathies. Identifiers: Orphanet 167848, MedGen C0878544, MONDO:0004994, HP:0001638. Inheritance: Various modes of inheritance.

Allele frequency attached by ClinVar (database versions not stated): TOPMed below 0.00001; gnomAD exomes 0.00002; ExAC 0.00003; ESP Exome Variant Server 0.00008.

Submissions (5):

Labcorp Genetics (formerly Invitae), Labcorp
Classification: Likely benign for Primary familial hypertrophic cardiomyopathy; Dilated cardiomyopathy 1AA. Last evaluated: 2025-05-15. Review status: criteria provided, single submitter. Criteria: Invitae Variant Classification Sherloc (09022015). Collection method: clinical testing. Allele origin: germline.

Ambry Genetics
Classification: Uncertain significance for Cardiovascular phenotype. Last evaluated: 2023-06-05. Review status: criteria provided, single submitter. Criteria: Ambry Variant Classification Scheme 2023. Collection method: clinical testing. Allele origin: germline.
Comment: The p.R140H variant (also known as c.419G>A), located in coding exon 4 of the ACTN2 gene, results from a G to A substitution at nucleotide position 419. The arginine at codon 140 is replaced by histidine, an amino acid with highly similar properties. This amino acid position is highly conserved in available vertebrate species. In addition, the in silico prediction for this alteration is inconclusive. Since supporting evidence is limited at this time, the clinical significance of this alteration remains unclear.

Fulgent Genetics
Classification: Uncertain significance for Dilated cardiomyopathy 1AA; Myopathy, congenital, with structured cores and z-line abnormalities; Myopathy, distal, 6, adult-onset, autosomal dominant. Last evaluated: 2021-07-06. Review status: criteria provided, single submitter. Criteria: ACMG Guidelines, 2015. Collection method: clinical testing. Allele origin: unknown.

Blueprint Genetics
Classification: Uncertain significance. Last evaluated: 2017-06-16. Review status: criteria provided, single submitter. Criteria: ACMG Guidelines, 2015. Collection method: clinical testing. Allele origin: germline.

CHEO Genetics Diagnostic Laboratory, Children's Hospital of Eastern Ontario
Classification: Uncertain significance for Cardiomyopathy. Last evaluated: 2015-09-25. Review status: criteria provided, single submitter. Criteria: ACMG Guidelines, 2015. Collection method: clinical testing. Allele origin: germline. Study: Canadian Open Genetics Repository.

NM_001103.4(ACTN2):c.419G>A (p.Arg140His)

Gene: ACTN2 (actinin alpha 2; plus strand). Cytogenetic location: 1q43.
Variant type: single nucleotide variant.
Coding change: c.419G>A on transcript NM_001103.4 (MANE Select); coding-DNA position 419, G replaced by A.
Protein change: p.Arg140His; replaces arginine 140 with histidine.
Molecular consequence: missense variant. On other transcripts: 5 prime UTR variant (1).
Genome position (GRCh38, 1-based): chr1:236,720,162, G>A. VCF-style: chr1-236720162-G-A. GRCh37 (hg19) VCF-style: chr1-236883462-G-A.
Other names: c.419G>A, p.Arg140His (NM_001278343.2); c.-403G>A (NM_001278344.2); short protein forms R140H.
Identifiers: ClinVar variation 463211 (VCV000463211.16), dbSNP rs370689695, ClinGen allele CA1472793.